The following is an entry in ClinVar:

NM_001040142.2(SCN2A):c.4018G>A (p.Val1340Ile)

Gene: SCN2A (sodium voltage-gated channel alpha subunit 2; plus strand). Cytogenetic location: 2q24.3.
Variant type: single nucleotide variant.
Coding change: c.4018G>A on transcript NM_001040142.2 (MANE Select); coding-DNA position 4018, G replaced by A.
Protein change: p.Val1340Ile; replaces valine 1340 with isoleucine.
Molecular consequence: missense variant.
Genome position (GRCh38, 1-based): chr2:165,374,730, G>A. VCF-style: chr2-165374730-G-A. GRCh37 (hg19) VCF-style: chr2-166231240-G-A.
Other names: c.4018G>A, p.Val1340Ile (NM_001040143.2, NM_001371246.1, NM_001371247.1 and 1 more transcripts); c.4018G>A (NM_021007.2); short protein forms V1340I.
Identifiers: ClinVar variation 1300201 (VCV001300201.3), dbSNP rs2105373034, ClinGen allele CA349030320.

ClinVar aggregate classification (germline): Pathogenic. Review status: criteria provided, single submitter (1 of 4 stars). 2 submissions from 2 submitters: Pathogenic (1). 1 of the submissions does not count toward it. Last evaluated 2025-03-17.

Conditions:
Epilepsy of infancy with migrating focal seizures. Identifiers: MedGen C4518639, MONDO:0100025.

Submissions (2):

GeneDx
Classification: Pathogenic. Last evaluated: 2025-03-17. Review status: criteria provided, single submitter. Criteria: GeneDx Variant Classification Process June 2021. Collection method: clinical testing. Allele origin: germline. Affected: yes.
Comment: Not observed at significant frequency in large population cohorts (gnomAD); In silico analysis indicates that this missense variant does not alter protein structure/function; This substitution is predicted to be within the transmembrane segment S5 of the third homologous domain; This variant is associated with the following publications: (PMID: 36571524)

Unidad de Genómica Garrahan, Hospital de Pediatría Garrahan
Classification: Likely pathogenic for Epilepsy of infancy with migrating focal seizures. Last evaluated: 2020-06-29. Review status: no assertion criteria provided. Collection method: clinical testing. Allele origin: germline. Affected: yes. Not counted in ClinVar's aggregate classification.